The following is an entry in ClinVar:

ClinVar aggregate classification (germline): Benign (1 of 4 stars; one submission).

Allele frequency attached by ClinVar (database versions not stated): gnomAD 0.21483 and 0.22604; TOPMed 0.23146; 1000 Genomes Project 30x 0.31340; 1000 Genomes Project 0.31450.
gnomAD v4.1: 34,386 of 152,064 alleles (23%); highest among the groups gnomAD compares: East Asian, 54%; 4,697 homozygotes.

Submission:

GeneDx
Classification: Benign. Last evaluated: 2018-06-14. Review status: criteria provided, single submitter. Criteria: GeneDx Variant Classification (06012015). Collection method: clinical testing. Allele origin: germline. Affected: yes.
Comment: This variant is considered likely benign or benign based on one or more of the following criteria: it is a conservative change, it occurs at a poorly conserved position in the protein, it is predicted to be benign by multiple in silico algorithms, and/or has population frequency not consistent with disease.

NM_000218.3(KCNQ1):c.684-234C>T

Gene: KCNQ1 (potassium voltage-gated channel subfamily Q member 1; plus strand). Cytogenetic location: 11p15.5.
Variant type: single nucleotide variant.
Coding change: c.684-234C>T on transcript NM_000218.3 (MANE Select); 234 bases into the intron before coding-DNA position 684, C replaced by T.
Molecular consequence: intron variant.
Genome position (GRCh38, 1-based): chr11:2,571,779, C>T. VCF-style: chr11-2571779-C-T. GRCh37 (hg19) VCF-style: chr11-2593009-C-T.
Other names: c.414-234C>T (NM_001406837.1); c.684-234C>T (NM_001406836.1); c.478-11656C>T (NM_001406838.1); c.303-234C>T (NM_181798.2).
Identifiers: ClinVar variation 678498 (VCV000678498.3), dbSNP rs4930126, ClinGen allele CA216311236.